The following is an entry in ClinVar:

ClinVar aggregate classification (germline): Uncertain significance (1 of 4 stars; one submission).

gnomAD v4.1: 18 of 1,612,302 alleles (0.0011%); highest among the groups gnomAD compares: African/African-American, 0.0027%; no homozygotes.

Submission:

Labcorp Genetics (formerly Invitae), Labcorp
Classification: Uncertain significance. Last evaluated: 2025-06-30. Review status: criteria provided, single submitter. Criteria: Invitae Variant Classification Sherloc (09022015). Collection method: clinical testing. Allele origin: germline.
Comment: This sequence change replaces arginine, which is basic and polar, with tryptophan, which is neutral and slightly polar, at codon 229 of the DVL1 protein (p.Arg229Trp). This variant is present in population databases (rs144365982, gnomAD 0.007%). This variant has not been reported in the literature in individuals affected with DVL1-related conditions. Invitae Evidence Modeling of protein sequence and biophysical properties (such as structural, functional, and spatial information, amino acid conservation, physicochemical variation, residue mobility, and thermodynamic stability) indicates that this missense variant is not expected to disrupt DVL1 protein function with a negative predictive value of 80%. In summary, the available evidence is currently insufficient to determine the role of this variant in disease. Therefore, it has been classified as a Variant of Uncertain Significance.

NM_001330311.2(DVL1):c.685C>T (p.Arg229Trp)

Gene: DVL1 (dishevelled segment polarity protein 1; minus strand). Cytogenetic location: 1p36.33.
Variant type: single nucleotide variant.
Coding change: c.685C>T on transcript NM_001330311.2 (MANE Select); coding-DNA position 685, C replaced by T.
Protein change: p.Arg229Trp; replaces arginine 229 with tryptophan.
Molecular consequence: missense variant.
Genome position (GRCh38, 1-based): chr1:1,340,424, G>A on the plus strand (C>T on the coding strand, the complement: DVL1 is on the minus strand). VCF-style: chr1-1340424-G-A. GRCh37 (hg19) VCF-style: chr1-1275804-G-A.
Other names: c.685C>T, p.Arg229Trp (NM_004421.3); short protein forms R229W.
Identifiers: ClinVar variation 4697932 (VCV004697932.1).
Genomic context (GRCh38, chr1:1,340,424, plus strand): 5'-CTGACTTCGCCTCCCCAGCCCCGCCCTGCTCCACCCGGCTGCCTACCCGGTCCGCCTGCC[G>A]AAGGCGCTGCTTCCTCCGCCGGCGTTTGTGCTTCCGGATGAGTCTGGATGAGGTGCTCTG-3'
Protein context (NP_001317240.1, residues 219-239): HKRRRRKQRL[Arg229Trp]QADRASSFSS